The following is an entry in ClinVar:

ClinVar aggregate classification (germline): Pathogenic. Review status: criteria provided, multiple submitters, no conflicts (2 of 4 stars). 2 submissions from 2 submitters: Pathogenic (2). Last evaluated 2025-09-15.

Conditions:
DICER1-related tumor predisposition. Also called: DICER1-related pleuropulmonary blastoma cancer predisposition syndrome; DICER1 syndrome. Identifiers: Orphanet 284343, MedGen C3839822, MONDO:0100216.

Allele frequency attached by ClinVar (database versions not stated): gnomAD exomes below 0.00001.
gnomAD v4.1: 1 of 1,614,080 alleles (0.000062%); highest among the groups gnomAD compares: African/African-American, 0.0013%; no homozygotes.

Submissions (2):

Labcorp Genetics (formerly Invitae), Labcorp
Classification: Pathogenic for DICER1-related tumor predisposition. Last evaluated: 2025-09-15. Review status: criteria provided, single submitter. Criteria: Invitae Variant Classification Sherloc (09022015). Collection method: clinical testing. Allele origin: germline.
Comment: This sequence change creates a premature translational stop signal (p.Trp32*) in the DICER1 gene. It is expected to result in an absent or disrupted protein product. Loss-of-function variants in DICER1 are known to be pathogenic (PMID: 19556464, 21266384). This variant is not present in population databases (gnomAD no frequency). This variant has not been reported in the literature in individuals affected with DICER1-related conditions. ClinVar contains an entry for this variant (Variation ID: 932968). For these reasons, this variant has been classified as Pathogenic.

Foulkes Cancer Genetics LDI, Lady Davis Institute for Medical Research
Classification: Pathogenic for Pleuropulmonary blastoma. Last evaluated: 2019-07-01. Review status: criteria provided, single submitter. Criteria: ACMG Guidelines, 2015. Collection method: curation. Allele origin: somatic. Affected: yes. Observed: 1 variant allele.
Comment: ACMG criteria met: PVS1, PM2, PP3, PP4

Literature cited by the submitters: PubMed 19556464 (cited by Labcorp Genetics (formerly Invitae), Labcorp); PubMed 21266384 (cited by Labcorp Genetics (formerly Invitae), Labcorp); PubMed 26925222 (cited by Foulkes Cancer Genetics LDI, Lady Davis Institute for Medical Research).

NM_177438.3(DICER1):c.96G>A (p.Trp32Ter)

Gene: DICER1 (dicer 1, ribonuclease III; minus strand). Cytogenetic location: 14q32.13.
Variant type: single nucleotide variant.
Coding change: c.96G>A on transcript NM_177438.3 (MANE Select); coding-DNA position 96, G replaced by A.
Protein change: p.Trp32Ter; replaces tryptophan 32 with a stop codon.
Molecular consequence: nonsense.
Genome position (GRCh38, 1-based): chr14:95,133,363, C>T on the plus strand (G>A on the coding strand, the complement: DICER1 is on the minus strand). VCF-style: chr14-95133363-C-T. GRCh37 (hg19) VCF-style: chr14-95599700-C-T.
Other names: c.96G>A, p.Trp32Ter (NM_001195573.1, NM_001271282.3, NM_001291628.2 and 1 more transcripts); short protein forms W32*.
Identifiers: ClinVar variation 932968 (VCV000932968.6), dbSNP rs1894119538, ClinGen allele CA390890486.